The following is an entry in ClinVar:

ClinVar aggregate classification (germline): Uncertain significance (1 of 4 stars; one submission).

Conditions:
Hereditary spastic paraplegia 49 (HSAN9). Also called: TECPR2-Related Hereditary Sensory and Autonomic Neuropathy with Intellectual Disability; NEUROPATHY, HEREDITARY SENSORY AND AUTONOMIC, TYPE IX, WITH DEVELOPMENTAL DELAY; Spastic paraplegia 49, autosomal recessive. Identifiers: Orphanet 320385, MedGen C5190860, MONDO:0014016, OMIM 615031.

Allele frequency attached by ClinVar (database versions not stated): gnomAD exomes 0.00001; ExAC 0.00002; TOPMed 0.00002; gnomAD 0.00003; ESP Exome Variant Server 0.00015.
gnomAD v4.1: 20 of 1,555,582 alleles (0.0013%); highest among the groups gnomAD compares: Non-Finnish European, 0.0015%; no homozygotes.

Submission:

Labcorp Genetics (formerly Invitae), Labcorp
Classification: Uncertain significance for Hereditary spastic paraplegia 49. Last evaluated: 2023-12-07. Review status: criteria provided, single submitter. Criteria: Invitae Variant Classification Sherloc (09022015). Collection method: clinical testing. Allele origin: germline.
Comment: This sequence change replaces histidine, which is basic and polar, with leucine, which is neutral and non-polar, at codon 572 of the TECPR2 protein (p.His572Leu). This variant is present in population databases (rs148716168, gnomAD 0.004%). This variant has not been reported in the literature in individuals affected with TECPR2-related conditions. ClinVar contains an entry for this variant (Variation ID: 2084197). Algorithms developed to predict the effect of missense changes on protein structure and function output the following: SIFT: "Not Available"; PolyPhen-2: "Benign"; Align-GVGD: "Not Available". The leucine amino acid residue is found in multiple mammalian species, which suggests that this missense change does not adversely affect protein function. In summary, the available evidence is currently insufficient to determine the role of this variant in disease. Therefore, it has been classified as a Variant of Uncertain Significance.

NM_014844.5(TECPR2):c.1715A>T (p.His572Leu)

Gene: TECPR2 (tectonin beta-propeller repeat containing 2; plus strand). Cytogenetic location: 14q32.31.
Variant type: single nucleotide variant.
Coding change: c.1715A>T on transcript NM_014844.5 (MANE Select); coding-DNA position 1715, A replaced by T.
Protein change: p.His572Leu; replaces histidine 572 with leucine.
Molecular consequence: missense variant.
Genome position (GRCh38, 1-based): chr14:102,434,532, A>T. VCF-style: chr14-102434532-A-T. GRCh37 (hg19) VCF-style: chr14-102900869-A-T.
Other names: c.1715A>T, p.His572Leu (NM_001172631.3); short protein forms H572L.
Identifiers: ClinVar variation 2084197 (VCV002084197.2), dbSNP rs148716168, ClinGen allele CA7357774.
Genomic context (GRCh38, chr14:102,434,532, plus strand): 5'-TGTCAGGATCAATGCCTGATTCTCTGGCTGAGGAAGATGACATTAGAACTGAAATGCCAC[A>T]CTGTCACCATGCACATGGGCGGGAGCTGCTCAATGGAGCGAGGGAAGATGTGGGAGGCAG-3'
Protein context (NP_055659.2, residues 562-582): EEDDIRTEMP[His572Leu]CHHAHGRELL